The following is an entry in ClinVar:

ClinVar aggregate classification (germline): Uncertain significance (1 of 4 stars; one submission).

Submission:

CeGaT Center for Human Genetics Tuebingen
Classification: Uncertain significance. Last evaluated: 2025-02-01. Review status: criteria provided, single submitter. Criteria: CeGaT Center For Human Genetics Tuebingen Variant Classification Criteria Version 2. Collection method: clinical testing. Allele origin: germline. Affected: yes. Observed: 1 variant allele.
Comment: PRUNE2: PM2, BP4

NM_015225.3(PRUNE2):c.7196C>T (p.Ser2399Phe)

Gene: PRUNE2 (prune homolog 2 with BCH domain; minus strand). Cytogenetic location: 9q21.2.
Variant type: single nucleotide variant.
Coding change: c.7196C>T on transcript NM_015225.3 (MANE Select); coding-DNA position 7196, C replaced by T.
Protein change: p.Ser2399Phe; replaces serine 2399 with phenylalanine.
Molecular consequence: missense variant. On other transcripts: non-coding transcript variant (1).
Genome position (GRCh38, 1-based): chr9:76,705,078, G>A on the plus strand (C>T on the coding strand, the complement: PRUNE2 is on the minus strand). VCF-style: chr9-76705078-G-A. GRCh37 (hg19) VCF-style: chr9-79319994-G-A.
Other names: c.7196C>T, p.Ser2399Phe (NM_001308047.2, NM_001308048.2); short protein forms S2399F.
Identifiers: ClinVar variation 3772386 (VCV003772386.13).
Genomic context (GRCh38, chr9:76,705,078, plus strand): 5'-TCCTCTGGAGACCCAGCTTCCTCTATTGTTTCAGCACTCTGGGCAGGTTCTGTGAGATAA[G>A]ACAAATCAAAGGGAGGTGTGTACGGTGCCAGCGACTGCTTCAGAGAATCTTCCTCCAAAG-3'
Protein context (NP_056040.2, residues 2389-2409): LAPYTPPFDL[Ser2399Phe]YLTEPAQSAE